The following is an entry in ClinVar:

NM_001276345.2(TNNT2):c.213G>A (p.Glu71=)

Gene: TNNT2 (troponin T2, cardiac type; minus strand). Cytogenetic location: 1q32.1.
Variant type: single nucleotide variant.
Coding change: c.213G>A on transcript NM_001276345.2 (MANE Select); coding-DNA position 213, G replaced by A.
Protein change: p.Glu71=; no amino-acid change (glutamic acid 71 retained).
Molecular consequence: synonymous variant.
Genome position (GRCh38, 1-based): chr1:201,366,858, C>T on the plus strand (G>A on the coding strand, the complement: TNNT2 is on the minus strand). VCF-style: chr1-201366858-C-T. GRCh37 (hg19) VCF-style: chr1-201335986-C-T.
Other names: c.183G>A (NM_001001430.1); c.213G>A, p.Glu71= (NM_000364.4, NM_001406723.1); c.183G>A, p.Glu61= (NM_001001430.3, NM_001001431.3, NM_001276347.2 and 3 more transcripts); c.168G>A, p.Glu56= (NM_001001432.3, NM_001406728.1); c.210G>A, p.Glu70= (NM_001276346.2); c.180G>A, p.Glu60= (NM_001406725.1).
Identifiers: ClinVar variation 2037005 (VCV002037005.8), dbSNP rs771980829, ClinGen allele CA026612.

ClinVar aggregate classification (germline): Likely benign. Review status: criteria provided, multiple submitters, no conflicts (2 of 4 stars). 4 submissions from 4 submitters: Likely benign (4). Last evaluated 2025-11-16.

Conditions:
Cardiomyopathy (CMYO). Also called: Cardiomyopathies. Identifiers: Orphanet 167848, MedGen C0878544, MONDO:0004994, HP:0001638. Inheritance: Various modes of inheritance.
Hypertrophic cardiomyopathy 2. Also called: TNNT2-Related Familial Hypertrophic Cardiomyopathy. Identifiers: MedGen C1861864, MONDO:0007266, OMIM 115195.
Cardiomyopathy, familial restrictive, 3. Identifiers: Orphanet 75249, MedGen C2676271, MONDO:0012900, OMIM 612422.
Dilated cardiomyopathy 1D. Identifiers: Orphanet 154, Orphanet 54260, MedGen C1832243, MONDO:0011095, OMIM 601494.
Cardiovascular phenotype. Identifiers: MedGen CN230736.

Allele frequency attached by ClinVar (database versions not stated): gnomAD exomes below 0.00001; gnomAD 0.00001; TOPMed 0.00001; ExAC 0.00002.

Submissions (4):

Ambry Genetics
Classification: Likely benign for Cardiovascular phenotype. Last evaluated: 2025-11-16. Review status: criteria provided, single submitter. Criteria: Ambry Variant Classification Scheme 2023. Collection method: clinical testing. Allele origin: germline.

Labcorp Genetics (formerly Invitae), Labcorp
Classification: Likely benign for Cardiomyopathy, familial restrictive, 3; Hypertrophic cardiomyopathy 2; Dilated cardiomyopathy 1D. Last evaluated: 2025-09-05. Review status: criteria provided, single submitter. Criteria: Invitae Variant Classification Sherloc (09022015). Collection method: clinical testing. Allele origin: germline.

All of Us Research Program, National Institutes of Health
Classification: Likely benign for Cardiomyopathy. Last evaluated: 2023-11-20. Review status: criteria provided, single submitter. Criteria: ACMG Guidelines, 2015. Collection method: clinical testing. Allele origin: germline. Inheritance: Autosomal dominant inheritance. Observed: 2 variant alleles, 2 heterozygotes.
Comment: This study involves interpretation of variants in research participants for the purpose of population health screening. Participant phenotype was not available at the time of variant classification. Additional details can be found in publication PMID: 35346344, PMCID: PMC8962531

Color Diagnostics, LLC DBA Color Health
Classification: Likely benign for Cardiomyopathy. Last evaluated: 2023-08-23. Review status: criteria provided, single submitter. Criteria: ACMG Guidelines, 2015. Collection method: clinical testing. Allele origin: germline.